The following is an entry in ClinVar:

NM_000545.8(HNF1A):c.1610C>T (p.Thr537Met)

Gene: HNF1A (HNF1 homeobox A; plus strand). Cytogenetic location: 12q24.31.
Variant type: single nucleotide variant.
Coding change: c.1610C>T on transcript NM_000545.8 (MANE Select); coding-DNA position 1610, C replaced by T.
Protein change: p.Thr537Met; replaces threonine 537 with methionine.
Molecular consequence: missense variant.
Genome position (GRCh38, 1-based): chr12:120,999,376, C>T. VCF-style: chr12-120999376-C-T. GRCh37 (hg19) VCF-style: chr12-121437179-C-T.
Other names: c.1610C>T, p.Thr537Met (NM_001306179.2); short protein forms T537M.
Identifiers: ClinVar variation 1695471 (VCV001695471.4), dbSNP rs372624970, ClinGen allele CA6832121.

ClinVar aggregate classification (germline): Uncertain significance. Review status: criteria provided, multiple submitters, no conflicts (2 of 4 stars). 3 submissions from 3 submitters: Uncertain significance (3). Last evaluated 2024-09-05.

Conditions:
Diabetes mellitus type 1 (T1D). Also called: Diabetes Mellitus, Juvenile-Onset; Type I diabetes mellitus. Identifiers: MedGen C0011854, MONDO:0005147, OMIM 222100, HP:0100651.
Hepatic adenomas, familial. Also called: LIVER CELL ADENOMAS, FAMILIAL; HEPATIC ADENOMA, SOMATIC. Identifiers: MedGen C1840646, MONDO:0007718, OMIM 142330.
Type 1 diabetes mellitus 20 (T1D20). Also called: Diabetes mellitus, insulin-dependent, 20. Identifiers: MedGen C2675866, MONDO:0012919, OMIM 612520.
Nonpapillary renal cell carcinoma. Identifiers: Orphanet 422526, MedGen CN074294, MONDO:0007763, OMIM 144700.
Maturity-onset diabetes of the young type 3. Also called: MODY type 3; MODY, type III. Identifiers: Orphanet 552, MedGen C1838100, MeSH C563933, MONDO:0010894, OMIM 600496. Disease mechanism: loss of function.
Type 2 diabetes mellitus. Also called: Type II diabetes mellitus. Identifiers: MedGen C0011860, MeSH D003924, MONDO:0005148, OMIM 125853, HP:0005978.

Allele frequency attached by ClinVar (database versions not stated): ExAC 0.00002; TOPMed 0.00003; ESP Exome Variant Server 0.00008.
gnomAD v4.1: 16 of 1,614,060 alleles (0.00099%); highest among the groups gnomAD compares: Non-Finnish European, 0.0013%; no homozygotes.

Submissions (3):

Athena Diagnostics
Classification: Uncertain significance. Last evaluated: 2024-09-05. Review status: criteria provided, single submitter. Criteria: Athena Diagnostics Criteria. Collection method: clinical testing. Allele origin: unknown.
Comment: Available data are insufficient to determine the clinical significance of the variant at this time. The frequency of this variant in the general population is uninformative in assessment of its pathogenicity. Assessment of experimental evidence regarding the effect of this variant on protein function is inconclusive (PMID: 32910913). This variant has been seen where an alternate explanation for disease was also identified, suggesting this variant may not cause disease.

GeneDx
Classification: Uncertain significance. Last evaluated: 2022-01-05. Review status: criteria provided, single submitter. Criteria: GeneDx Variant Classification Process June 2021. Collection method: clinical testing. Allele origin: germline. Affected: yes.
Comment: Not observed at significant frequency in large population cohorts (gnomAD); In silico analysis supports that this missense variant has a deleterious effect on protein structure/function; Published functional studies suggest this variant results in impairment of HNF1A function, however additional studies are needed to validate the functional effect of this variant in vivo (Althari et al., 2020); Identified in a patient with type 2 diabetes in published literature, although additional clinical information was not included (Bansal et al., 2017); Reported as part of a large study of dyslipidemia and metabolic disorders, patient specific information was not provided (Dron et al., 2020); This variant is associated with the following publications: (PMID: 21224407, 29207974, 32041611, 32910913)

Fulgent Genetics
Classification: Uncertain significance for Type 2 diabetes mellitus; Hepatic adenomas, familial; Nonpapillary renal cell carcinoma; Diabetes mellitus type 1; Maturity-onset diabetes of the young type 3; Type 1 diabetes mellitus 20. Last evaluated: 2021-12-29. Review status: criteria provided, single submitter. Criteria: ACMG Guidelines, 2015. Collection method: clinical testing. Allele origin: unknown.

Literature cited by the submitters: PubMed 32910913 (cited by Athena Diagnostics); PubMed 29207974 (cited by Athena Diagnostics); PubMed 36216889 (cited by Athena Diagnostics); PubMed 35310942 (cited by Athena Diagnostics); PubMed 32041611 (cited by Athena Diagnostics).